The following is an entry in ClinVar:

ClinVar aggregate classification (germline): Uncertain significance (1 of 4 stars; one submission).

Conditions:
Early-infantile DEE. Also called: Early infantile epileptic encephalopathy; Early infantile epileptic encephalopathy with suppression bursts; Ohtahara syndrome. Identifiers: Orphanet 1934, MedGen C0393706, MONDO:0800491.

Submission:

Labcorp Genetics (formerly Invitae), Labcorp
Classification: Uncertain significance for Early-infantile DEE. Last evaluated: 2025-07-13. Review status: criteria provided, single submitter. Criteria: Invitae Variant Classification Sherloc (09022015). Collection method: clinical testing. Allele origin: germline.
Comment: This sequence change replaces arginine, which is basic and polar, with tryptophan, which is neutral and slightly polar, at codon 191 of the SCN8A protein (p.Arg191Trp). This variant is not present in population databases (gnomAD no frequency). This missense change has been observed in individual(s) with episodic ataxia (PMID: 38251463). ClinVar contains an entry for this variant (Variation ID: 2804221). Invitae Evidence Modeling of protein sequence and biophysical properties (such as structural, functional, and spatial information, amino acid conservation, physicochemical variation, residue mobility, and thermodynamic stability) indicates that this missense variant is expected to disrupt SCN8A protein function with a positive predictive value of 95%. Experimental studies have shown that this missense change affects SCN8A function (PMID: 38251463). In summary, the available evidence is currently insufficient to determine the role of this variant in disease. Therefore, it has been classified as a Variant of Uncertain Significance.

Literature cited by the submitters: PubMed 38251463.

NM_001330260.2(SCN8A):c.571C>T (p.Arg191Trp)

Gene: SCN8A (sodium voltage-gated channel alpha subunit 8; plus strand). Cytogenetic location: 12q13.13.
Variant type: single nucleotide variant.
Coding change: c.571C>T on transcript NM_001330260.2 (MANE Select); coding-DNA position 571, C replaced by T.
Protein change: p.Arg191Trp; replaces arginine 191 with tryptophan.
Molecular consequence: missense variant.
Genome position (GRCh38, 1-based): chr12:51,687,176, C>T. VCF-style: chr12-51687176-C-T. GRCh37 (hg19) VCF-style: chr12-52080960-C-T.
Other names: c.571C>T, p.Arg191Trp (NM_001177984.3, NM_001369788.1, NM_014191.4); short protein forms R191W.
Identifiers: ClinVar variation 2804221 (VCV002804221.3), dbSNP rs2540156043, ClinGen allele CA385222586.